The following is an entry in ClinVar:

ClinVar aggregate classification (germline): Pathogenic/Likely pathogenic. Review status: criteria provided, multiple submitters, no conflicts (2 of 4 stars). 7 submissions from 7 submitters: Pathogenic (5); Likely pathogenic (1). 1 of the submissions does not count toward it. Last evaluated 2025-11-28.

Conditions:
TUBGCP4-related disorder. Also called: TUBGCP4-related condition.
Microcephaly and chorioretinopathy 3. Also called: Microcephaly and chorioretinopathy, autosomal recessive, 3. Identifiers: MedGen C4225362, MONDO:0014592, OMIM 616335.

Allele frequency attached by ClinVar (database versions not stated): gnomAD 0.00004; gnomAD exomes 0.00006 and 0.00012; TOPMed 0.00007; ESP Exome Variant Server 0.00009; ExAC 0.00012.

Submissions (7):

Labcorp Genetics (formerly Invitae), Labcorp
Classification: Pathogenic. Last evaluated: 2025-11-28. Review status: criteria provided, single submitter. Criteria: Invitae Variant Classification Sherloc (09022015). Collection method: clinical testing. Allele origin: germline.
Comment: This sequence change creates a premature translational stop signal (p.Gly194Trpfs*8) in the TUBGCP4 gene. It is expected to result in an absent or disrupted protein product. Loss-of-function variants in TUBGCP4 are known to be pathogenic (PMID: 25817018). This variant is present in population databases (rs765297510, gnomAD 0.2%). This premature translational stop signal has been observed in individual(s) with clinical features of microcephaly and chorioretinal dysplasia (PMID: 25817018). It has also been observed to segregate with disease in related individuals. ClinVar contains an entry for this variant (Variation ID: 190124). For these reasons, this variant has been classified as Pathogenic.

Blueprint Genetics
Classification: Pathogenic for TUBGCP4-related disorders. Last evaluated: 2024-11-19. Review status: criteria provided, single submitter. Criteria: ACMG Guidelines, 2015. Collection method: clinical testing. Allele origin: germline. Affected: yes. Observed: 5 variant alleles.

Women's Health and Genetics/Laboratory Corporation of America, LabCorp
Classification: Pathogenic for Microcephaly and chorioretinopathy 3. Last evaluated: 2024-09-25. Review status: criteria provided, single submitter. Criteria: LabCorp Variant Classification Summary - May 2015. Collection method: clinical testing. Allele origin: germline.
Comment: Variant summary: TUBGCP4 c.579dupT (p.Gly194TrpfsX8) results in a premature termination codon, predicted to cause a truncation of the encoded protein or absence of the protein due to nonsense mediated decay, which are commonly known mechanisms for disease. The variant allele was found at a frequency of 0.00012 in 249472 control chromosomes. This frequency is not significantly higher than estimated for a pathogenic variant in TUBGCP4 causing Microcephaly And Chorioretinopathy 3, allowing no conclusion about variant significance. c.579dupT has been reported in the literature in two compound heterozygous individuals in a family affected with Microcephaly And Chorioretinopathy 3 (Scheidecker_2015). These data indicate that the variant is likely to be associated with disease. To our knowledge, no experimental evidence demonstrating an impact on protein function has been reported. The following publication have been ascertained in the context of this evaluation (PMID: 25817018). ClinVar contains an entry for this variant (Variation ID: 190124). Based on the evidence outlined above, the variant was classified as pathogenic.

GeneDx
Classification: Pathogenic. Last evaluated: 2023-08-24. Review status: criteria provided, single submitter. Criteria: GeneDx Variant Classification Process June 2021. Collection method: clinical testing. Allele origin: germline. Affected: yes.
Comment: Frameshift variant predicted to result in protein truncation or nonsense mediated decay in a gene for which loss-of-function is a known mechanism of disease; This variant is associated with the following publications: (PMID: 34313030, 25817018)

Revvity Omics, Revvity
Classification: Likely pathogenic for Microcephaly and chorioretinopathy 3. Last evaluated: 2023-07-12. Review status: criteria provided, single submitter. Criteria: ACMG Guidelines, 2015. Collection method: clinical testing. Allele origin: germline.

Genetic Services Laboratory, University of Chicago
Classification: Pathogenic for Microcephaly and chorioretinopathy, autosomal recessive, 3. Last evaluated: 2016-07-26. Review status: criteria provided, single submitter. Criteria: ACMG Guidelines, 2015. Collection method: clinical testing. Allele origin: germline. Affected: yes.

OMIM
Classification: Pathogenic for MICROCEPHALY AND CHORIORETINOPATHY, AUTOSOMAL RECESSIVE, 3. Last evaluated: 2015-04-02. Review status: no assertion criteria provided. Collection method: literature only. Allele origin: germline. Not counted in ClinVar's aggregate classification.

Literature cited by the submitters: PubMed 25817018 (cited by 3 submitters).

NM_014444.5(TUBGCP4):c.579dup (p.Gly194fs)

Gene: TUBGCP4 (tubulin gamma complex component 4; plus strand). Cytogenetic location: 15q15.3.
Variant type: Duplication.
Coding change: c.579dup on transcript NM_014444.5 (MANE Select); coding-DNA position 579, one base duplicated (T; older notation c.579dupT).
Protein change: p.Gly194fs; shifts the reading frame from glycine 194.
Molecular consequence: frameshift variant.
Genome position (GRCh38, 1-based): chr15:43,383,360, T duplicated. VCF-style (leftmost placement, unchanged base first): chr15-43383359-A-AT. GRCh37 (hg19) VCF-style: chr15-43675557-A-AT.
Other names: c.579dup, p.Gly194fs (NM_001286414.3); c.579dupT (NM_014444.5); short protein forms G194fs.
Identifiers: ClinVar variation 190124 (VCV000190124.22), dbSNP rs794726855, ClinGen allele CA199569.